The following is an entry in ClinVar:

ClinVar aggregate classification (germline): Uncertain significance (1 of 4 stars; one submission).

gnomAD v4.1: 11 of 1,551,854 alleles (0.00071%); highest among the groups gnomAD compares: African/African-American, 0.0014%; no homozygotes.

Submission:

Labcorp Genetics (formerly Invitae), Labcorp
Classification: Uncertain significance. Last evaluated: 2024-10-18. Review status: criteria provided, single submitter. Criteria: Invitae Variant Classification Sherloc (09022015). Collection method: clinical testing. Allele origin: germline.
Comment: This sequence change replaces serine, which is neutral and polar, with proline, which is neutral and non-polar, at codon 2 of the APCDD1 protein (p.Ser2Pro). This variant is not present in population databases (gnomAD no frequency). This variant has not been reported in the literature in individuals affected with APCDD1-related conditions. An algorithm developed to predict the effect of missense changes on protein structure and function (PolyPhen-2) suggests that this variant is likely to be disruptive. In summary, the available evidence is currently insufficient to determine the role of this variant in disease. Therefore, it has been classified as a Variant of Uncertain Significance.

NM_153000.5(APCDD1):c.4T>C (p.Ser2Pro)

Gene: APCDD1 (APC down-regulated 1; plus strand). Cytogenetic location: 18p11.22.
Variant type: single nucleotide variant.
Coding change: c.4T>C on transcript NM_153000.5 (MANE Select); coding-DNA position 4, T replaced by C.
Protein change: p.Ser2Pro; replaces serine 2 with proline.
Molecular consequence: missense variant.
Genome position (GRCh38, 1-based): chr18:10,454,985, T>C. VCF-style: chr18-10454985-T-C. GRCh37 (hg19) VCF-style: chr18-10454982-T-C.
Other names: short protein forms S2P.
Identifiers: ClinVar variation 3614060 (VCV003614060.2).